The following is an entry in ClinVar:

ClinVar aggregate classification (germline): Uncertain significance (1 of 4 stars; one submission).

Conditions:
Arrhythmogenic right ventricular dysplasia 13. Also called: ARRHYTHMOGENIC RIGHT VENTRICULAR CARDIOMYOPATHY 13; Arrhythmogenic right ventricular dysplasia, familial, 13. Identifiers: MedGen C3810138, MONDO:0000908, OMIM 615616.

gnomAD v4.1: 1 of 1,613,710 alleles (0.000062%); no homozygotes.

Submission:

Labcorp Genetics (formerly Invitae), Labcorp
Classification: Uncertain significance for Arrhythmogenic right ventricular dysplasia 13. Last evaluated: 2025-07-03. Review status: criteria provided, single submitter. Criteria: Invitae Variant Classification Sherloc (09022015). Collection method: clinical testing. Allele origin: germline.
Comment: This sequence change replaces arginine, which is basic and polar, with glycine, which is neutral and non-polar, at codon 336 of the CTNNA3 protein (p.Arg336Gly). This variant is not present in population databases (gnomAD no frequency). This variant has not been reported in the literature in individuals affected with CTNNA3-related conditions. Invitae Evidence Modeling of protein sequence and biophysical properties (such as structural, functional, and spatial information, amino acid conservation, physicochemical variation, residue mobility, and thermodynamic stability) indicates that this missense variant is expected to disrupt CTNNA3 protein function with a positive predictive value of 80%. In summary, the available evidence is currently insufficient to determine the role of this variant in disease. Therefore, it has been classified as a Variant of Uncertain Significance.

NM_013266.4(CTNNA3):c.1006C>G (p.Arg336Gly)

Gene: CTNNA3 (catenin alpha 3; minus strand). Cytogenetic location: 10q21.3.
Variant type: single nucleotide variant.
Coding change: c.1006C>G on transcript NM_013266.4 (MANE Select); coding-DNA position 1006, C replaced by G.
Protein change: p.Arg336Gly; replaces arginine 336 with glycine.
Molecular consequence: missense variant.
Genome position (GRCh38, 1-based): chr10:67,180,358, G>C on the plus strand (C>G on the coding strand, the complement: CTNNA3 is on the minus strand). VCF-style: chr10-67180358-G-C. GRCh37 (hg19) VCF-style: chr10-68940116-G-C.
Other names: c.1006C>G, p.Arg336Gly (NM_001127384.3); c.1042C>G, p.Arg348Gly (NM_001291133.2); short protein forms R336G, R348G.
Identifiers: ClinVar variation 4806021 (VCV004806021.1).